The following is an entry in ClinVar:

ClinVar aggregate classification (germline): Uncertain significance (1 of 4 stars; one submission).

Conditions:
Intellectual developmental disorder, X-linked 1. Also called: Atkin Flaitz Patil Smith syndrome; MENTAL RETARDATION, X-LINKED 18; MENTAL RETARDATION, X-LINKED 78; Intellectual disability, X-linked 1. Identifiers: Orphanet 777, MedGen C2931498, MONDO:0010656, OMIM 309530.

Submission:

Labcorp Genetics (formerly Invitae), Labcorp
Classification: Uncertain significance for Intellectual developmental disorder, X-linked 1. Last evaluated: 2025-03-19. Review status: criteria provided, single submitter. Criteria: Invitae Variant Classification Sherloc (09022015). Collection method: clinical testing. Allele origin: germline.
Comment: This sequence change replaces histidine, which is basic and polar, with arginine, which is basic and polar, at codon 1449 of the IQSEC2 protein (p.His1449Arg). The frequency data for this variant in the population databases is considered unreliable, as metrics indicate insufficient coverage at this position in the gnomAD database. This variant has not been reported in the literature in individuals affected with IQSEC2-related conditions. Invitae Evidence Modeling of protein sequence and biophysical properties (such as structural, functional, and spatial information, amino acid conservation, physicochemical variation, residue mobility, and thermodynamic stability) indicates that this missense variant is not expected to disrupt IQSEC2 protein function with a negative predictive value of 95%. In summary, the available evidence is currently insufficient to determine the role of this variant in disease. Therefore, it has been classified as a Variant of Uncertain Significance.

NM_001111125.3(IQSEC2):c.4346A>G (p.His1449Arg)

Gene: IQSEC2 (IQ motif and Sec7 domain ArfGEF 2; minus strand). Cytogenetic location: Xp11.22.
Variant type: single nucleotide variant.
Coding change: c.4346A>G on transcript NM_001111125.3 (MANE Select); coding-DNA position 4346, A replaced by G.
Protein change: p.His1449Arg; replaces histidine 1449 with arginine.
Molecular consequence: missense variant. On other transcripts: 3 prime UTR variant (2).
Genome position (GRCh38, 1-based): chrX:53,234,340, T>C on the plus strand (A>G on the coding strand, the complement: IQSEC2 is on the minus strand). VCF-style: chrX-53234340-T-C. GRCh37 (hg19) VCF-style: chrX-53263522-T-C.
Other names: c.*831A>G (NM_001410736.1, NM_015075.2); short protein forms H1449R.
Identifiers: ClinVar variation 3634894 (VCV003634894.2).